The following is an entry in ClinVar:

NM_001110556.2(FLNA):c.4551G>C (p.Gly1517=)

Gene: FLNA (filamin A; minus strand). Cytogenetic location: Xq28.
Variant type: single nucleotide variant.
Coding change: c.4551G>C on transcript NM_001110556.2 (MANE Select); coding-DNA position 4551, G replaced by C.
Protein change: p.Gly1517=; no amino-acid change (glycine 1517 retained).
Molecular consequence: synonymous variant.
Genome position (GRCh38, 1-based): chrX:154,358,492, C>G on the plus strand (G>C on the coding strand, the complement: FLNA is on the minus strand). VCF-style: chrX-154358492-C-G. GRCh37 (hg19) VCF-style: chrX-153586860-C-G.
Other names: p.Gly1517=; c.4551G>C, p.Gly1517= (NM_001456.4).
Identifiers: ClinVar variation 289609 (VCV000289609.45), dbSNP rs370476531, ClinGen allele CA10560508.
Genomic context (GRCh38, chrX:154,358,492, plus strand): 5'-CCCTGCCTCTTACCTCCGGGGTACCTCTTCATCTCCATACAGTACTGAGATGCTGTAGGG[C>G]CCTTCTCGGCTGGGCACATAATTGACGGTCTGGGTGCCATCAGCGTTGTCTACCACGTCC-3'
Protein context (NP_001104026.1, residues 1507-1527): QTVNYVPSRE[Gly1517=]PYSISVLYGD

ClinVar aggregate classification (germline): Benign/Likely benign. Review status: criteria provided, multiple submitters, no conflicts (2 of 4 stars). 7 submissions from 7 submitters: Benign (2); Likely benign (5). Last evaluated 2026-01-13.

Conditions:
Melnick-Needles syndrome (MNS). Also called: Melnick-Needles Syndrome (FLNA-MNS); MELNICK-NEEDLES OSTEODYSPLASTY; OSTEODYSPLASTY OF MELNICK AND NEEDLES. Identifiers: Orphanet 2484, MedGen C0025237, MONDO:0010650, OMIM 309350.
Heterotopia, periventricular, X-linked dominant (PVNH1). Also called: X-linked periventricular heterotopia; PERIVENTRICULAR NODULAR HETEROTOPIA 4; HETEROTOPIA, PERIVENTRICULAR, 1; PERIVENTRICULAR NODULAR HETEROTOPIA 1. Identifiers: Orphanet 2149, Orphanet 82004, MedGen C1848213, MONDO:0010233, OMIM 300049.
Frontometaphyseal dysplasia (FMD1). Identifiers: Orphanet 1826, MedGen C0265293, MONDO:0015942.
Oto-palato-digital syndrome, type II (OPD2). Also called: Otopalatodigital Syndrome Type 2 (FLNA-OPD2); FACIOPALATOOSSEOUS SYNDROME; Otopalatodigital Syndrome, Type II; OPD II SYNDROME. Identifiers: Orphanet 669, Orphanet 90652, MedGen C1844696, MONDO:0010571, OMIM 304120.
Familial thoracic aortic aneurysm and aortic dissection (TAAD). Also called: Thoracic aortic aneurysms and dissections. Identifiers: Orphanet 91387, MedGen C4707243, MONDO:0019625.

Allele frequency attached by ClinVar (database versions not stated): gnomAD 0.00005; TOPMed 0.00006; ESP Exome Variant Server 0.00010; gnomAD exomes 0.00010 and 0.00011; ExAC 0.00016.
gnomAD v4.1: 126 of 1,208,534 alleles (0.01%); highest among the groups gnomAD compares: Middle Eastern, 0.069%; no homozygotes.

Submissions (7):

Labcorp Genetics (formerly Invitae), Labcorp
Classification: Benign for Oto-palato-digital syndrome, type II; Heterotopia, periventricular, X-linked dominant; Frontometaphyseal dysplasia; Melnick-Needles syndrome. Last evaluated: 2026-01-13. Review status: criteria provided, single submitter. Criteria: Invitae Variant Classification Sherloc (09022015). Collection method: clinical testing. Allele origin: germline.

Mayo Clinic Laboratories, Mayo Clinic
Classification: Likely benign. Last evaluated: 2025-04-29. Review status: criteria provided, single submitter. Criteria: ACMG Guidelines, 2015. Collection method: clinical testing. Allele origin: germline. Observed: 1 variant allele.
Comment: BS2, BP4, BP7

Blueprint Genetics
Classification: Likely benign. Last evaluated: 2024-08-02. Review status: criteria provided, single submitter. Criteria: ACMG Guidelines, 2015. Collection method: clinical testing. Allele origin: germline.

CeGaT Center for Human Genetics Tuebingen
Classification: Likely benign. Last evaluated: 2022-05-01. Review status: criteria provided, single submitter. Criteria: CeGaT Center For Human Genetics Tuebingen Variant Classification Criteria Version 2. Collection method: clinical testing. Allele origin: germline. Affected: yes. Observed: 1 variant allele.
Comment: FLNA: BP4, BP7

GeneDx
Classification: Likely benign. Last evaluated: 2020-09-16. Review status: criteria provided, single submitter. Criteria: GeneDx Variant Classification Process June 2021. Collection method: clinical testing. Allele origin: germline. Affected: yes.

Ambry Genetics
Classification: Benign for Familial thoracic aortic aneurysm and aortic dissection. Last evaluated: 2019-04-15. Review status: criteria provided, single submitter. Criteria: Ambry Variant Classification Scheme 2023. Collection method: clinical testing. Allele origin: germline.

Eurofins Ntd Llc (ga)
Classification: Likely benign. Last evaluated: 2016-07-29. Review status: criteria provided, single submitter. Criteria: EGL Classification Definitions 2015. Collection method: clinical testing. Allele origin: germline. Observed: 1 variant allele, 1 heterozygote.